The following is an entry in ClinVar:

NM_014712.3(SETD1A):c.1842T>A (p.Pro614=)

Gene: SETD1A (SET domain containing 1A, histone lysine methyltransferase; plus strand). Cytogenetic location: 16p11.2.
Variant type: single nucleotide variant.
Coding change: c.1842T>A on transcript NM_014712.3 (MANE Select); coding-DNA position 1842, T replaced by A.
Protein change: p.Pro614=; no amino-acid change (proline 614 retained).
Molecular consequence: synonymous variant.
Genome position (GRCh38, 1-based): chr16:30,965,723, T>A. VCF-style: chr16-30965723-T-A. GRCh37 (hg19) VCF-style: chr16-30977044-T-A.
Identifiers: ClinVar variation 3040056 (VCV003040056.2), dbSNP rs774184477, ClinGen allele CA494917903.

ClinVar aggregate classification (germline): Likely benign (0 of 4 stars; one submission).

Conditions:
SETD1A-related disorder. Also called: SETD1A-related condition.

Submission:

PreventionGenetics, part of Exact Sciences
Classification: Likely benign for SETD1A-related condition. Last evaluated: 2019-09-23. Review status: no assertion criteria provided. Collection method: clinical testing. Allele origin: germline.
Comment: This variant is classified as likely benign based on ACMG/AMP sequence variant interpretation guidelines (Richards et al. 2015 PMID: 25741868, with internal and published modifications).